The following is an entry in ClinVar:

ClinVar aggregate classification (germline): Uncertain significance. Review status: criteria provided, multiple submitters, no conflicts (2 of 4 stars). 4 submissions from 4 submitters: Uncertain significance (4). Last evaluated 2025-09-03.

Conditions:
Retinoblastoma (RB1). Also called: RETINOBLASTOMA, SOMATIC. Identifiers: Orphanet 790, MedGen C0035335, MeSH D012175, MONDO:0008380, OMIM 180200, HP:0009919. Disease mechanism: loss of function. Inheritance: Both sporadic and heritable forms are tested..
Hereditary cancer-predisposing syndrome. Also called: Tumor predisposition; Neoplastic Syndromes, Hereditary; Hereditary Cancer Syndrome; Hereditary neoplastic syndrome. Identifiers: Orphanet 140162, MedGen C0027672, MeSH D009386, MONDO:0015356.
Gorlin syndrome. Also called: Basal cell nevus syndrome; Nevoid Basal Cell Carcinoma Syndrome. Identifiers: Orphanet 377, MedGen C0004779, MONDO:0007187.
PTCH1-related disorder. Also called: PTCH1-related disorders; PTCH1-related condition.

Allele frequency attached by ClinVar (database versions not stated): gnomAD 0.00001; gnomAD exomes 0.00001; TOPMed 0.00001.
gnomAD v4.1: 9 of 1,613,970 alleles (0.00056%); highest among the groups gnomAD compares: East Asian, 0.016%; no homozygotes.

Submissions (4):

Labcorp Genetics (formerly Invitae), Labcorp
Classification: Uncertain significance for Gorlin syndrome. Last evaluated: 2025-09-03. Review status: criteria provided, single submitter. Criteria: Invitae Variant Classification Sherloc (09022015). Collection method: clinical testing. Allele origin: germline.
Comment: This sequence change replaces valine, which is neutral and non-polar, with alanine, which is neutral and non-polar, at codon 343 of the PTCH1 protein (p.Val343Ala). This variant is not present in population databases (gnomAD no frequency). This variant has not been reported in the literature in individuals affected with PTCH1-related conditions. ClinVar contains an entry for this variant (Variation ID: 620620). Invitae Evidence Modeling of protein sequence and biophysical properties (such as structural, functional, and spatial information, amino acid conservation, physicochemical variation, residue mobility, and thermodynamic stability) has been performed for this missense variant. However, the output from this modeling did not meet the statistical confidence thresholds required to predict the impact of this variant on PTCH1 protein function. In summary, the available evidence is currently insufficient to determine the role of this variant in disease. Therefore, it has been classified as a Variant of Uncertain Significance.

Ambry Genetics
Classification: Uncertain significance for Hereditary cancer-predisposing syndrome. Last evaluated: 2025-06-15. Review status: criteria provided, single submitter. Criteria: Ambry Variant Classification Scheme 2023. Collection method: clinical testing. Allele origin: germline.
Comment: The p.V343A variant (also known as c.1028T>C), located in coding exon 7 of the PTCH1 gene, results from a T to C substitution at nucleotide position 1028. The valine at codon 343 is replaced by alanine, an amino acid with similar properties. This amino acid position is well conserved in available vertebrate species. In addition, the in silico prediction for this alteration is inconclusive. Since supporting evidence is limited at this time, the clinical significance of this alteration remains unclear.

PreventionGenetics, part of Exact Sciences
Classification: Uncertain significance for PTCH1-related condition. Last evaluated: 2023-07-31. Review status: criteria provided, single submitter. Criteria: ACMG Guidelines, 2015. Collection method: clinical testing. Allele origin: germline.
Comment: The PTCH1 c.1028T>C variant is predicted to result in the amino acid substitution p.Val343Ala. To our knowledge, this variant has not been reported in the literature or in a large population database, indicating this variant is rare. At this time, the clinical significance of this variant is uncertain due to the absence of conclusive functional and genetic evidence.

St. Jude Molecular Pathology, St. Jude Children's Research Hospital
Classification: Uncertain significance for Retinoblastoma. Last evaluated: 2016-09-26. Review status: criteria provided, single submitter. Criteria: ACMG Guidelines, 2015. Collection method: clinical testing. Allele origin: germline. Affected: yes.

NM_000264.5(PTCH1):c.1028T>C (p.Val343Ala)

Gene: PTCH1 (patched 1; minus strand). Cytogenetic location: 9q22.32.
Variant type: single nucleotide variant.
Coding change: c.1028T>C on transcript NM_000264.5 (MANE Select); coding-DNA position 1028, T replaced by C.
Protein change: p.Val343Ala; replaces valine 343 with alanine.
Molecular consequence: missense variant. On other transcripts: non-coding transcript variant (1).
Genome position (GRCh38, 1-based): chr9:95,480,008, A>G on the plus strand (T>C on the coding strand, the complement: PTCH1 is on the minus strand). VCF-style: chr9-95480008-A-G. GRCh37 (hg19) VCF-style: chr9-98242290-A-G.
Other names: c.830T>C, p.Val277Ala (NM_001083602.3); c.1025T>C, p.Val342Ala (NM_001083603.3); c.575T>C, p.Val192Ala (NM_001083604.3, NM_001083605.3, NM_001083606.3 and 1 more transcripts); c.1028T>C, p.Val343Ala (NM_001354918.2); short protein forms V277A, V343A, V342A, V192A.
Identifiers: ClinVar variation 620620 (VCV000620620.18), dbSNP rs962982192, ClinGen allele CA196595795.